The following is an entry in ClinVar:

NM_080732.4(EGLN2):c.1017C>G (p.Asn339Lys)

Genes: EGLN2 (egl-9 family hypoxia inducible factor 2; plus strand), RAB4B-EGLN2 (RAB4B-EGLN2 readthrough (NMD candidate); plus strand). Cytogenetic location: 19q13.2.
Variant type: single nucleotide variant.
Coding change: c.1017C>G on transcript NM_080732.4 (MANE Select); coding-DNA position 1017, C replaced by G.
Protein change: p.Asn339Lys; replaces asparagine 339 with lysine.
Molecular consequence: missense variant. On other transcripts: non-coding transcript variant (1).
Genome position (GRCh38, 1-based): chr19:40,807,191, C>G. VCF-style: chr19-40807191-C-G. GRCh37 (hg19) VCF-style: chr19-41313096-C-G.
Other names: c.1017C>G, p.Asn339Lys (NM_053046.4); short protein forms N339K.
Identifiers: ClinVar variation 1747220 (VCV001747220.3), dbSNP rs1027827487, ClinGen allele CA308490325.
Genomic context (GRCh38, chr19:40,807,191, plus strand): 5'-CCCCCAGGTGCATGGCGGCCTGCTGCAGATCTTCCCTGAGGGCCGGCCCGTGGTAGCCAA[C>G]ATCGAGCCACTCTTTGACCGGTTGCTCATTTTCTGGTCTGACCGGCGGAACCCCCACGAG-3'
Protein context (NP_542770.2, residues 329-349): IFPEGRPVVA[Asn339Lys]IEPLFDRLLI

ClinVar aggregate classification (germline): Uncertain significance (1 of 4 stars; one submission).

Allele frequency attached by ClinVar (database versions not stated): TOPMed below 0.00001; gnomAD 0.00001.

Submission:

Ambry Genetics
Classification: Uncertain significance. Last evaluated: 2024-08-19. Review status: criteria provided, single submitter. Criteria: Ambry Variant Classification Scheme 2023. Collection method: clinical testing. Allele origin: germline.
Comment: The p.N339K variant (also known as c.1017C>G), located in coding exon 3 of the EGLN2 gene, results from a C to G substitution at nucleotide position 1017. The asparagine at codon 339 is replaced by lysine, an amino acid with similar properties. This amino acid position is conserved. In addition, this alteration is predicted to be tolerated by in silico analysis. Since supporting evidence is limited at this time, the clinical significance of this alteration remains unclear.